The following is an entry in ClinVar:

ClinVar aggregate classification (germline): Uncertain significance (1 of 4 stars; one submission).

Conditions:
GLUT1 deficiency syndrome 1, autosomal recessive. Identifiers: MedGen C3149117.

Submission:

Labcorp Genetics (formerly Invitae), Labcorp
Classification: Uncertain significance for GLUT1 deficiency syndrome 1, autosomal recessive. Last evaluated: 2025-02-26. Review status: criteria provided, single submitter. Criteria: Invitae Variant Classification Sherloc (09022015). Collection method: clinical testing. Allele origin: germline.
Comment: This sequence change replaces leucine, which is neutral and non-polar, with valine, which is neutral and non-polar, at codon 350 of the SLC2A1 protein (p.Leu350Val). This variant is not present in population databases (gnomAD no frequency). This variant has not been reported in the literature in individuals affected with SLC2A1-related conditions. ClinVar contains an entry for this variant (Variation ID: 855348). Invitae Evidence Modeling incorporating data from in vitro experimental studies (internal data) indicates that this missense variant is not expected to disrupt SLC2A1 function with a negative predictive value of 80%. In summary, the available evidence is currently insufficient to determine the role of this variant in disease. Therefore, it has been classified as a Variant of Uncertain Significance.

NM_006516.4(SLC2A1):c.1048C>G (p.Leu350Val)

Gene: SLC2A1 (solute carrier family 2 member 1; minus strand). Cytogenetic location: 1p34.2.
Variant type: single nucleotide variant.
Coding change: c.1048C>G on transcript NM_006516.4 (MANE Select); coding-DNA position 1048, C replaced by G.
Protein change: p.Leu350Val; replaces leucine 350 with valine.
Molecular consequence: missense variant.
Genome position (GRCh38, 1-based): chr1:42,928,958, G>C on the plus strand (C>G on the coding strand, the complement: SLC2A1 is on the minus strand). VCF-style: chr1-42928958-G-C. GRCh37 (hg19) VCF-style: chr1-43394629-G-C.
Other names: short protein forms L350V.
Identifiers: ClinVar variation 855348 (VCV000855348.10), dbSNP rs916926401, ClinGen allele CA21250142.